The following is an entry in ClinVar:

NM_005902.4(SMAD3):c.714C>G (p.Tyr238Ter)

Gene: SMAD3 (SMAD family member 3; plus strand). Cytogenetic location: 15q22.33.
Variant type: single nucleotide variant.
Coding change: c.714C>G on transcript NM_005902.4 (MANE Select); coding-DNA position 714, C replaced by G.
Protein change: p.Tyr238Ter; replaces tyrosine 238 with a stop codon.
Molecular consequence: nonsense.
Genome position (GRCh38, 1-based): chr15:67,181,296, C>G. VCF-style: chr15-67181296-C-G. GRCh37 (hg19) VCF-style: chr15-67473634-C-G.
Other names: c.399C>G, p.Tyr133Ter (NM_001145102.2, NM_001407016.1); c.582C>G, p.Tyr194Ter (NM_001145103.2, NM_001407012.1); c.129C>G, p.Tyr43Ter (NM_001145104.2, NM_001407017.1); c.714C>G, p.Tyr238Ter (NM_001407011.1, NM_001407013.1); c.567C>G, p.Tyr189Ter (NM_001407014.1); c.267C>G, p.Tyr89Ter (NM_001407015.1); c.714C>G (NM_005902.3); short protein forms Y238*, Y194*, Y89*, Y133*, Y189*, Y43*.
Identifiers: ClinVar variation 3724263 (VCV003724263.4).

ClinVar aggregate classification (germline): Pathogenic. Review status: criteria provided, multiple submitters, no conflicts (2 of 4 stars). 3 submissions from 3 submitters: Pathogenic (3). Last evaluated 2025-02-21.

Conditions:
SMAD3-related disorder. Also called: SMAD3-related condition.
Familial thoracic aortic aneurysm and aortic dissection (TAAD). Also called: Thoracic aortic aneurysms and dissections. Identifiers: Orphanet 91387, MedGen C4707243, MONDO:0019625.

Submissions (3):

Ambry Genetics
Classification: Pathogenic for Familial thoracic aortic aneurysm and aortic dissection. Last evaluated: 2025-02-21. Review status: criteria provided, single submitter. Criteria: Ambry Variant Classification Scheme 2023. Collection method: clinical testing. Allele origin: germline.
Comment: The p.Y238* pathogenic mutation (also known as c.714C>G), located in coding exon 6 of the SMAD3 gene, results from a C to G substitution at nucleotide position 714. This changes the amino acid from a tyrosine to a stop codon within coding exon 6. This variant was determined to be de novo in at least one individual with features consistent with SMAD3-related Loeys-Dietz syndrome (Mainali A et al. Am J Med Genet A, 2023 Feb;191:510-517). This variant is considered to be rare based on population cohorts in the Genome Aggregation Database (gnomAD). This alteration is expected to result in loss of function by premature protein truncation or nonsense-mediated mRNA decay. As such, this alteration is interpreted as a disease-causing mutation.

Labcorp Genetics (formerly Invitae), Labcorp
Classification: Pathogenic for Familial thoracic aortic aneurysm and aortic dissection. Last evaluated: 2024-11-26. Review status: criteria provided, single submitter. Criteria: Invitae Variant Classification Sherloc (09022015). Collection method: clinical testing. Allele origin: germline.
Comment: This sequence change creates a premature translational stop signal (p.Tyr238*) in the SMAD3 gene. It is expected to result in an absent or disrupted protein product. Loss-of-function variants in SMAD3 are known to be pathogenic (PMID: 21778426, 24804794). This variant is not present in population databases (gnomAD no frequency). This premature translational stop signal has been observed in individual(s) with Loeys-Dietz syndrome (PMID: 36401557). In at least one individual the variant was observed to be de novo. Algorithms developed to predict the effect of sequence changes on RNA splicing suggest that this variant may create or strengthen a splice site. For these reasons, this variant has been classified as Pathogenic.

Blueprint Genetics
Classification: Pathogenic for SMAD3-related disorders. Last evaluated: 2021-04-06. Review status: criteria provided, single submitter. Criteria: ACMG Guidelines, 2015. Collection method: clinical testing. Allele origin: de novo. Affected: yes. Observed: 1 variant allele.

Literature cited by the submitters: PubMed 36401557 (cited by Ambry Genetics and Labcorp Genetics (formerly Invitae), Labcorp); PubMed 21778426 (cited by Labcorp Genetics (formerly Invitae), Labcorp); PubMed 24804794 (cited by Labcorp Genetics (formerly Invitae), Labcorp).